The following is an entry in ClinVar:

ClinVar aggregate classification (germline): Uncertain significance (1 of 4 stars; one submission).

gnomAD v4.1: 208 of 1,612,644 alleles (0.013%); highest among the groups gnomAD compares: Non-Finnish European, 0.017%; no homozygotes.

Submission:

Labcorp Genetics (formerly Invitae), Labcorp
Classification: Uncertain significance. Last evaluated: 2024-08-13. Review status: criteria provided, single submitter. Criteria: Invitae Variant Classification Sherloc (09022015). Collection method: clinical testing. Allele origin: germline.
Comment: This sequence change replaces glycine, which is neutral and non-polar, with serine, which is neutral and polar, at codon 243 of the ERBB2 protein (p.Gly243Ser). This variant is present in population databases (rs533090552, gnomAD 0.009%). This variant has not been reported in the literature in individuals affected with ERBB2-related conditions. Advanced modeling of protein sequence and biophysical properties (such as structural, functional, and spatial information, amino acid conservation, physicochemical variation, residue mobility, and thermodynamic stability) performed at Invitae indicates that this missense variant is expected to disrupt ERBB2 protein function with a positive predictive value of 80%. In summary, the available evidence is currently insufficient to determine the role of this variant in disease. Therefore, it has been classified as a Variant of Uncertain Significance.

NM_004448.4(ERBB2):c.727G>A (p.Gly243Ser)

Gene: ERBB2 (erb-b2 receptor tyrosine kinase 2; plus strand). Cytogenetic location: 17q12.
Variant type: single nucleotide variant.
Coding change: c.727G>A on transcript NM_004448.4 (MANE Select); coding-DNA position 727, G replaced by A.
Protein change: p.Gly243Ser; replaces glycine 243 with serine.
Molecular consequence: missense variant. On other transcripts: non-coding transcript variant (1), intron variant (2).
Genome position (GRCh38, 1-based): chr17:39,710,169, G>A. VCF-style: chr17-39710169-G-A. GRCh37 (hg19) VCF-style: chr17-37866422-G-A.
Other names: c.637G>A, p.Gly213Ser (NM_001005862.3, NM_001289938.2, NM_001382782.1 and 1 more transcripts); c.682G>A, p.Gly228Ser (NM_001289936.2); c.727G>A, p.Gly243Ser (NM_001289937.2, NM_001382784.1, NM_001382785.1 and 16 more transcripts); c.802G>A, p.Gly268Ser (NM_001382787.1); c.718G>A, p.Gly240Ser (NM_001382791.1); c.547G>A, p.Gly183Ser (NM_001382799.1); c.643+288G>A (NM_001382802.1); c.74-1759G>A (NM_001382804.1); short protein forms G213S, G228S, G243S, G183S, G268S, G240S.
Identifiers: ClinVar variation 3706915 (VCV003706915.2).